The following is an entry in ClinVar:

ClinVar aggregate classification (germline): Uncertain significance. Review status: criteria provided, multiple submitters, no conflicts (2 of 4 stars). 3 submissions from 3 submitters: Uncertain significance (3). Last evaluated 2026-08-04.

Conditions:
Generalized epilepsy with febrile seizures plus, type 9 (GEFSP9). Also called: GEFS+, TYPE 9. Identifiers: Orphanet 36387, MedGen C4015395, MONDO:0014517, OMIM 616172.
Inborn genetic diseases. Identifiers: MedGen C0950123, MeSH D030342.

gnomAD v4.1: 2 of 1,613,612 alleles (0.00012%); highest among the groups gnomAD compares: South Asian, 0.0011%; no homozygotes.

Submissions (3):

Ambry Genetics
Classification: Uncertain significance for Inborn genetic diseases. Last evaluated: 2026-08-04. Review status: criteria provided, single submitter. Criteria: Ambry Variant Classification Scheme 2023. Collection method: clinical testing. Allele origin: germline.
Comment: The c.802A>G (p.I268V) alteration is located in exon 10 (coding exon 10) of the STX1B gene. This alteration results from a A to G substitution at nucleotide position 802, causing the isoleucine (I) at amino acid position 268 to be replaced by a valine (V). Based on data from gnomAD, the G allele has an overall frequency of 0.001% (2/281664) total alleles studied. The highest observed frequency was 0.003% (1/30562) of South Asian alleles. Based on insufficient or conflicting evidence, the clinical significance of this alteration remains unclear.

GeneDx
Classification: Uncertain significance. Last evaluated: 2024-12-13. Review status: criteria provided, single submitter. Criteria: GeneDx Variant Classification Process June 2021. Collection method: clinical testing. Allele origin: germline. Affected: yes.
Comment: Not observed at significant frequency in large population cohorts (gnomAD); In silico analysis indicates that this missense variant does not alter protein structure/function; Has not been previously published as pathogenic or benign to our knowledge

Labcorp Genetics (formerly Invitae), Labcorp
Classification: Uncertain significance for Generalized epilepsy with febrile seizures plus, type 9. Last evaluated: 2024-07-21. Review status: criteria provided, single submitter. Criteria: Invitae Variant Classification Sherloc (09022015). Collection method: clinical testing. Allele origin: germline.
Comment: This sequence change replaces isoleucine, which is neutral and non-polar, with valine, which is neutral and non-polar, at codon 268 of the STX1B protein (p.Ile268Val). This variant is present in population databases (no rsID available, gnomAD 0.003%). This variant has not been reported in the literature in individuals affected with STX1B-related conditions. Advanced modeling of protein sequence and biophysical properties (such as structural, functional, and spatial information, amino acid conservation, physicochemical variation, residue mobility, and thermodynamic stability) performed at Invitae indicates that this missense variant is not expected to disrupt STX1B protein function with a negative predictive value of 80%. In summary, the available evidence is currently insufficient to determine the role of this variant in disease. Therefore, it has been classified as a Variant of Uncertain Significance.

NM_052874.5(STX1B):c.802A>G (p.Ile268Val)

Gene: STX1B (syntaxin 1B; minus strand). Cytogenetic location: 16p11.2.
Variant type: single nucleotide variant.
Coding change: c.802A>G on transcript NM_052874.5 (MANE Select); coding-DNA position 802, A replaced by G.
Protein change: p.Ile268Val; replaces isoleucine 268 with valine.
Molecular consequence: missense variant.
Genome position (GRCh38, 1-based): chr16:30,992,886, T>C on the plus strand (A>G on the coding strand, the complement: STX1B is on the minus strand). VCF-style: chr16-30992886-T-C. GRCh37 (hg19) VCF-style: chr16-31004207-T-C.
Other names: c.802A>G (NM_052874.3); short protein forms I268V.
Identifiers: ClinVar variation 3672306 (VCV003672306.4).